The following is an entry in ClinVar:

ClinVar aggregate classification (germline): Likely benign (1 of 4 stars; one submission).

Conditions:
POMC-related disorder. Also called: POMC-related condition; POMC-related disorders.

Submission:

PreventionGenetics, part of Exact Sciences
Classification: Likely benign for POMC-related condition. Last evaluated: 2026-05-14. Review status: criteria provided, single submitter. Criteria: ACMG Guidelines, 2015. Collection method: clinical testing. Allele origin: germline.
Comment: This variant is classified as likely benign based on ACMG/AMP sequence variant interpretation guidelines (Richards et al. 2015 PMID: 25741868, with internal and published modifications).

NM_000939.4(POMC):c.51G>A (p.Leu17=)

Gene: POMC (proopiomelanocortin; minus strand). Cytogenetic location: 2p23.3.
Variant type: single nucleotide variant.
Coding change: c.51G>A on transcript NM_000939.4 (MANE Select); coding-DNA position 51, G replaced by A.
Protein change: p.Leu17=; no amino-acid change (leucine 17 retained).
Molecular consequence: synonymous variant.
Genome position (GRCh38, 1-based): chr2:25,164,722, C>T on the plus strand (G>A on the coding strand, the complement: POMC is on the minus strand). VCF-style: chr2-25164722-C-T. GRCh37 (hg19) VCF-style: chr2-25387591-C-T.
Other names: c.51G>A, p.Leu17= (NM_001035256.3, NM_001319204.2, NM_001319205.2).
Identifiers: ClinVar variation 4993791 (VCV004993791.1).
Genomic context (GRCh38, chr2:25,164,722, plus strand): 5'-GAGGTCCTGACACTGGCTGCTCTCCAGGCACCAGCCACGCACTTCCATGGAGGCCTGAAG[C>T]AGCAAGGCCAGCAACAGGGCCCCCGAGCGGCTGCAGCACGATCTCGGCATCTTCCAGGCA-3'
Protein context (NP_000930.1, residues 7-27): SRSGALLLAL[Leu17=]LQASMEVRGW